The following is an entry in ClinVar:

ClinVar aggregate classification (germline): Conflicting classifications of pathogenicity. Review status: criteria provided, conflicting classifications (1 of 4 stars). 6 submissions from 6 submitters: Uncertain significance (4); Likely benign (1). 1 of the submissions does not count toward it. Last evaluated 2024-03-29.

Conditions:
Hereditary breast ovarian cancer syndrome. Also called: Breast and ovarian cancer; Hereditary breast and ovarian cancer; Hereditary breast and ovarian cancer syndrome; BRCA1- and BRCA2-Associated Hereditary Breast and Ovarian Cancer; Hereditary breast and ovarian cancer syndrome (HBOC); Hereditary breast and/or ovarian cancer syndrome. Identifiers: Orphanet 145, MedGen C0677776, MeSH D061325, MONDO:0003582. Disease mechanism: loss of function.
Hereditary cancer-predisposing syndrome. Also called: Tumor predisposition; Hereditary Cancer Syndrome; Neoplastic Syndromes, Hereditary; Hereditary neoplastic syndrome. Identifiers: Orphanet 140162, MedGen C0027672, MeSH D009386, MONDO:0015356.
BRCA2-related cancer predisposition. Identifiers: MedGen CN377758, MONDO:0700269.
Breast-ovarian cancer, familial, susceptibility to, 2 (BROVCA2). Also called: BRCA2 Hereditary Breast and Ovarian Cancer. Identifiers: Orphanet 145, MedGen C2675520, MONDO:0012933, OMIM 612555. Disease mechanism: loss of function.

Allele frequency attached by ClinVar (database versions not stated): gnomAD exomes below 0.00001; ExAC 0.00001.
gnomAD v4.1: 2 of 1,613,340 alleles (0.00012%); highest among the groups gnomAD compares: South Asian, 0.0022%; no homozygotes.

Submissions (6):

Ambry Genetics
Classification: Uncertain significance for Hereditary cancer-predisposing syndrome. Last evaluated: 2024-03-29. Review status: criteria provided, single submitter. Criteria: Ambry Variant Classification Scheme 2023. Collection method: clinical testing. Allele origin: germline.
Comment: The p.G578D variant (also known as c.1733G>A), located in coding exon 9 of the BRCA2 gene, results from a G to A substitution at nucleotide position 1733. The glycine at codon 578 is replaced by aspartic acid, an amino acid with similar properties. This amino acid position is well conserved in available vertebrate species. In addition, this alteration is predicted to be tolerated by in silico analysis. Based on the available evidence, the clinical significance of this alteration remains unclear.

All of Us Research Program, National Institutes of Health
Classification: Uncertain significance for BRCA2-related cancer predisposition. Last evaluated: 2024-02-22. Review status: criteria provided, single submitter. Criteria: ACMG Guidelines, 2015. Collection method: clinical testing. Allele origin: germline. Inheritance: Autosomal dominant inheritance. Observed: 2 variant alleles, 2 heterozygotes.
Comment: This missense variant replaces glycine with aspartic acid at codon 578 of the BRCA2 protein. Computational prediction suggests that this variant may not impact protein structure and function (internally defined REVEL score threshold <= 0.5, PMID: 27666373). To our knowledge, functional studies have not been reported for this variant. This variant has been reported in 1 individual affected with breast cancer (PMID: 33471991; Leiden Open Variation Database DB-ID BRCA2_007879). This variant has been identified in 1/250840 chromosomes in the general population by the Genome Aggregation Database (gnomAD). The available evidence is insufficient to determine the role of this variant in disease conclusively. Therefore, this variant is classified as a Variant of Uncertain Significance.

This study involves interpretation of variants in research participants for the purpose of population health screening. Participant phenotype was not available at the time of variant classification. Additional details can be found in publication PMID: 35346344, PMCID: PMC8962531

Color Diagnostics, LLC DBA Color Health
Classification: Uncertain significance for Hereditary cancer-predisposing syndrome. Last evaluated: 2024-01-31. Review status: criteria provided, single submitter. Criteria: ACMG Guidelines, 2015. Collection method: clinical testing. Allele origin: germline.
Comment: This missense variant replaces glycine with aspartic acid at codon 578 of the BRCA2 protein. Computational prediction suggests that this variant may not impact protein structure and function. To our knowledge, functional studies have not been reported for this variant. This variant has been reported in 1 individual affected with breast cancer (PMID: 33471991; Leiden Open Variation Database DB-ID BRCA2_007879). This variant has been identified in 1/250840 chromosomes in the general population by the Genome Aggregation Database (gnomAD). The available evidence is insufficient to determine the role of this variant in disease conclusively. Therefore, this variant is classified as a Variant of Uncertain Significance.

Labcorp Genetics (formerly Invitae), Labcorp
Classification: Uncertain significance for Hereditary breast ovarian cancer syndrome. Last evaluated: 2023-10-09. Review status: criteria provided, single submitter. Criteria: Invitae Variant Classification Sherloc (09022015). Collection method: clinical testing. Allele origin: germline.
Comment: This sequence change replaces glycine, which is neutral and non-polar, with aspartic acid, which is acidic and polar, at codon 578 of the BRCA2 protein (p.Gly578Asp). This variant is present in population databases (rs398122730, gnomAD 0.003%). This variant has not been reported in the literature in individuals affected with BRCA2-related conditions. ClinVar contains an entry for this variant (Variation ID: 91756). Advanced modeling of protein sequence and biophysical properties (such as structural, functional, and spatial information, amino acid conservation, physicochemical variation, residue mobility, and thermodynamic stability) performed at Invitae indicates that this missense variant is not expected to disrupt BRCA2 protein function. In summary, the available evidence is currently insufficient to determine the role of this variant in disease. Therefore, it has been classified as a Variant of Uncertain Significance.

University of Washington Department of Laboratory Medicine, University of Washington
Classification: Likely benign for Hereditary cancer-predisposing syndrome. Last evaluated: 2023-03-23. Review status: criteria provided, single submitter. Criteria: Dines et al. (Genet Med. 2020). Collection method: curation. Allele origin: germline.
Comment: Missense variant in a coldspot region where missense variants are very unlikely to be pathogenic (PMID:31911673).

BRCA2 exon 10 coldspot. Reclassification based on statistical prior probability.

Sharing Clinical Reports Project (SCRP)
Classification: Uncertain significance for Breast-ovarian cancer, familial 2. Last evaluated: 2007-07-05. Review status: no assertion criteria provided. Collection method: clinical testing. Allele origin: germline. Not counted in ClinVar's aggregate classification.

Literature cited by the submitters: PubMed 33471991 (cited by All of Us Research Program, National Institutes of Health and Color Diagnostics, LLC DBA Color Health).

NM_000059.4(BRCA2):c.1733G>A (p.Gly578Asp)

Gene: BRCA2 (BRCA2 DNA repair associated; plus strand). Cytogenetic location: 13q13.1.
Variant type: single nucleotide variant.
Coding change: c.1733G>A on transcript NM_000059.4 (MANE Select); coding-DNA position 1733, G replaced by A.
Protein change: p.Gly578Asp; replaces glycine 578 with aspartic acid.
Molecular consequence: missense variant.
Genome position (GRCh38, 1-based): chr13:32,333,211, G>A. VCF-style: chr13-32333211-G-A. GRCh37 (hg19) VCF-style: chr13-32907348-G-A.
Other names: short protein forms G578D.
Identifiers: ClinVar variation 91756 (VCV000091756.21), dbSNP rs398122730, ClinGen allele CA013024.